The following is an entry in ClinVar:

ClinVar aggregate classification (germline): Uncertain significance (1 of 4 stars; one submission).

Allele frequency attached by ClinVar (database versions not stated): gnomAD 0.00001; ExAC 0.00002; gnomAD exomes 0.00002 and 0.00003; TOPMed 0.00004.

Submission:

Labcorp Genetics (formerly Invitae), Labcorp
Classification: Uncertain significance. Last evaluated: 2023-08-10. Review status: criteria provided, single submitter. Criteria: Invitae Variant Classification Sherloc (09022015). Collection method: clinical testing. Allele origin: germline.
Comment: In summary, the available evidence is currently insufficient to determine the role of this variant in disease. Therefore, it has been classified as a Variant of Uncertain Significance. Advanced modeling of protein sequence and biophysical properties (such as structural, functional, and spatial information, amino acid conservation, physicochemical variation, residue mobility, and thermodynamic stability) performed at Invitae indicates that this missense variant is not expected to disrupt CNNM4 protein function. ClinVar contains an entry for this variant (Variation ID: 1038537). This variant has not been reported in the literature in individuals affected with CNNM4-related conditions. This variant is present in population databases (rs779011091, gnomAD 0.007%). This sequence change replaces glutamic acid, which is acidic and polar, with lysine, which is basic and polar, at codon 481 of the CNNM4 protein (p.Glu481Lys).

NM_020184.4(CNNM4):c.1441G>A (p.Glu481Lys)

Gene: CNNM4 (cyclin and CBS domain divalent metal cation transport mediator 4; plus strand). Cytogenetic location: 2q11.2.
Variant type: single nucleotide variant.
Coding change: c.1441G>A on transcript NM_020184.4 (MANE Select); coding-DNA position 1441, G replaced by A.
Protein change: p.Glu481Lys; replaces glutamic acid 481 with lysine.
Molecular consequence: missense variant.
Genome position (GRCh38, 1-based): chr2:96,797,050, G>A. VCF-style: chr2-96797050-G-A. GRCh37 (hg19) VCF-style: chr2-97462787-G-A.
Other names: short protein forms E481K.
Identifiers: ClinVar variation 1038537 (VCV001038537.7), dbSNP rs779011091, ClinGen allele CA1783362.